The following is an entry in ClinVar:

NM_000391.4(TPP1):c.1551+70C>T

Gene: TPP1 (tripeptidyl peptidase 1; minus strand). Cytogenetic location: 11p15.4.
Variant type: single nucleotide variant.
Coding change: c.1551+70C>T on transcript NM_000391.4 (MANE Select); 70 bases into the intron after coding-DNA position 1551, C replaced by T.
Molecular consequence: intron variant.
Genome position (GRCh38, 1-based): chr11:6,614,796, G>A on the plus strand (C>T on the coding strand, the complement: TPP1 is on the minus strand). VCF-style: chr11-6614796-G-A. GRCh37 (hg19) VCF-style: chr11-6636027-G-A.
Identifiers: ClinVar variation 674455 (VCV000674455.2), dbSNP rs73395131, ClinGen allele CA217320893.

ClinVar aggregate classification (germline): Likely benign. Review status: criteria provided, multiple submitters, no conflicts (2 of 4 stars). 2 submissions from 2 submitters: Likely benign (2). Last evaluated 2018-06-19.

Allele frequency attached by ClinVar (database versions not stated): 1000 Genomes Project 0.00419; 1000 Genomes Project 30x 0.00484; gnomAD 0.00528 and 0.00575; TOPMed 0.00622.

Submissions (2):

GeneDx
Classification: Likely benign. Last evaluated: 2018-06-19. Review status: criteria provided, single submitter. Criteria: GeneDx Variant Classification (06012015). Collection method: clinical testing. Allele origin: germline. Affected: yes.
Comment: This variant is considered likely benign or benign based on one or more of the following criteria: it is a conservative change, it occurs at a poorly conserved position in the protein, it is predicted to be benign by multiple in silico algorithms, and/or has population frequency not consistent with disease.

Breakthrough Genomics
Classification: Likely benign. Review status: criteria provided, single submitter. Criteria: ACMG Guidelines, 2015. Collection method: not provided. Allele origin: germline. Inheritance: Autosomal recessive inheritance. Affected: yes.